The following is an entry in ClinVar:

ClinVar aggregate classification (germline): Uncertain significance. Review status: criteria provided, multiple submitters, no conflicts (2 of 4 stars). 3 submissions from 3 submitters: Uncertain significance (2). 1 of the submissions does not count toward it. Last evaluated 2025-08-23.

Conditions:
Susceptibility to severe COVID-19.

Allele frequency attached by ClinVar (database versions not stated): gnomAD 0.00001; TOPMed 0.00002; gnomAD exomes 0.00003 and 0.00005; ExAC 0.00004.
gnomAD v4.1: 45 of 1,610,938 alleles (0.0028%); highest among the groups gnomAD compares: Middle Eastern, 0.066%; no homozygotes.

Submissions (3):

Ambry Genetics
Classification: Uncertain significance. Last evaluated: 2025-08-23. Review status: criteria provided, single submitter. Criteria: Ambry Variant Classification Scheme 2023. Collection method: clinical testing. Allele origin: germline.

Labcorp Genetics (formerly Invitae), Labcorp
Classification: Uncertain significance. Last evaluated: 2022-08-23. Review status: criteria provided, single submitter. Criteria: Invitae Variant Classification Sherloc (09022015). Collection method: clinical testing. Allele origin: germline.
Comment: This sequence change replaces asparagine, which is neutral and polar, with serine, which is neutral and polar, at codon 146 of the IFNAR2 protein (p.Asn146Ser). This variant is present in population databases (rs549962048, gnomAD 0.05%). This variant has not been reported in the literature in individuals affected with IFNAR2-related conditions. ClinVar contains an entry for this variant (Variation ID: 1436863). Algorithms developed to predict the effect of missense changes on protein structure and function output the following: SIFT: "Tolerated"; PolyPhen-2: "Benign"; Align-GVGD: "Class C0". The serine amino acid residue is found in multiple mammalian species, which suggests that this missense change does not adversely affect protein function. Algorithms developed to predict the effect of sequence changes on RNA splicing suggest that this variant may create or strengthen a splice site. In summary, the available evidence is currently insufficient to determine the role of this variant in disease. Therefore, it has been classified as a Variant of Uncertain Significance.

Dubai Health Genomic Medicine Center, Dubai Health
Classification: Likely risk allele for Susceptibility to severe COVID-19. Last evaluated: 2022-07-01. Review status: no assertion criteria provided. Collection method: research. Allele origin: germline. Affected: yes. Not counted in ClinVar's aggregate classification.

NM_001289125.3(IFNAR2):c.437A>G (p.Asn146Ser)

Genes: IFNAR2 (interferon alpha and beta receptor subunit 2; plus strand), IFNAR2-IL10RB (IFNAR2-IL10RB readthrough; plus strand). Cytogenetic location: 21q22.11.
Variant type: single nucleotide variant.
Coding change: c.437A>G on transcript NM_001289125.3 (MANE Select); coding-DNA position 437, A replaced by G.
Protein change: p.Asn146Ser; replaces asparagine 146 with serine.
Molecular consequence: missense variant.
Genome position (GRCh38, 1-based): chr21:33,248,751, A>G. VCF-style: chr21-33248751-A-G. GRCh37 (hg19) VCF-style: chr21-34621056-A-G.
Other names: c.437A>G, p.Asn146Ser (NM_000874.5, NM_001289126.2, NM_001289128.2 and 4 more transcripts); c.437A>G (NM_207585.1); short protein forms N146S.
Identifiers: ClinVar variation 1436863 (VCV001436863.10), dbSNP rs549962048, ClinGen allele CA10005664.